The following is an entry in ClinVar:

NM_000744.7(CHRNA4):c.1266C>T (p.Cys422=)

Gene: CHRNA4 (cholinergic receptor nicotinic alpha 4 subunit; minus strand). Cytogenetic location: 20q13.33.
Variant type: single nucleotide variant.
Coding change: c.1266C>T on transcript NM_000744.7 (MANE Select); coding-DNA position 1266, C replaced by T.
Protein change: p.Cys422=; no amino-acid change (cysteine 422 retained).
Molecular consequence: synonymous variant. On other transcripts: non-coding transcript variant (1).
Genome position (GRCh38, 1-based): chr20:63,350,145, G>A on the plus strand (C>T on the coding strand, the complement: CHRNA4 is on the minus strand). VCF-style: chr20-63350145-G-A. GRCh37 (hg19) VCF-style: chr20-61981497-G-A.
Other names: p.C422C:TGC>TGT; c.738C>T, p.Cys246= (NM_001256573.2).
Identifiers: ClinVar variation 98312 (VCV000098312.11), dbSNP rs121912274, ClinGen allele CA150404.

ClinVar aggregate classification (germline): Conflicting classifications of pathogenicity. Review status: criteria provided, conflicting classifications (1 of 4 stars). 4 submissions from 4 submitters: Uncertain significance (1); Likely benign (2). 1 of the submissions does not count toward it. Last evaluated 2026-06-30.

Conditions:
CHRNA4-related disorder. Also called: CHRNA4-related condition.
Familial sleep-related hypermotor epilepsy. Also called: Autosomal Dominant Sleep-Related Hypermotor (Hyperkinetic) Epilepsy. Identifiers: Orphanet 98784, MedGen C3696898, MONDO:0000030.
Tobacco use disorder. Identifiers: MedGen C0040336.

Allele frequency attached by ClinVar (database versions not stated): gnomAD exomes 0.00003 and 0.00004; gnomAD 0.00005 and 0.00006; TOPMed 0.00005; ExAC 0.00009.

Submissions (4):

PreventionGenetics, part of Exact Sciences
Classification: Likely benign for CHRNA4-related condition. Last evaluated: 2026-06-30. Review status: criteria provided, single submitter. Criteria: ACMG Guidelines, 2015. Collection method: clinical testing. Allele origin: germline.
Comment: This variant is classified as likely benign based on ACMG/AMP sequence variant interpretation guidelines (Richards et al. 2015 PMID: 25741868, with internal and published modifications).

Labcorp Genetics (formerly Invitae), Labcorp
Classification: Likely benign. Last evaluated: 2026-01-12. Review status: criteria provided, single submitter. Criteria: Invitae Variant Classification Sherloc (09022015). Collection method: clinical testing. Allele origin: germline.

GeneDx
Classification: Uncertain significance. Last evaluated: 2014-01-14. Review status: criteria provided, single submitter. Criteria: GeneDx Variant Classification (06012015). Collection method: clinical testing. Allele origin: germline. Affected: yes.
Comment: The c.1266 C>T splice site variant in the CHRNA4 gene has not been published as a mutation, nor has it been reported as a benign polymorphism to our knowledge. It was not observed in approximately 6,400 individuals of European and African American ancestry in the NHLBI Exome Sequencing Project, indicating it is not a common benign variant in these populations. Multiple in silico algorithms predict that the c.1266 C>T substitution could potentially introduce a new cryptic donor site that may supplant the natural site in exon 5 and lead to abnormal splicing. However, in the absence of RNA/Functional studies the actual effect of the c.1266 C>T sequence change is unknown. Therefore, based on the currently available information, it is unclear whether this variant is a pathogenic mutation or a rare benign variant as mutations in CHRNA4 demonstrate incomplete penetrance (Hirose and Kurahashi, 2012). The variant is found in CHILD-EPI panel(s).

Psychiatry Genetics Yale University
No classification provided. Review status: no classification provided. Collection method: not provided. Allele origin: somatic. Not counted in ClinVar's aggregate classification.